The following is an entry in ClinVar:

ClinVar aggregate classification (germline): Likely benign (0 of 4 stars; one submission).

Conditions:
GCKR-related disorder. Also called: GCKR-related condition.

Allele frequency attached by ClinVar (database versions not stated): gnomAD 0.00001; ExAC 0.00002; TOPMed 0.00002.
gnomAD v4.1: 10 of 1,576,686 alleles (0.00063%); highest among the groups gnomAD compares: East Asian, 0.0045%; no homozygotes.

Submission:

PreventionGenetics, part of Exact Sciences
Classification: Likely benign for GCKR-related condition. Last evaluated: 2021-01-28. Review status: no assertion criteria provided. Collection method: clinical testing. Allele origin: germline.
Comment: This variant is classified as likely benign based on ACMG/AMP sequence variant interpretation guidelines (Richards et al. 2015 PMID: 25741868, with internal and published modifications).

NM_001486.4(GCKR):c.285+8C>A

Gene: GCKR (glucokinase regulator; plus strand). Cytogenetic location: 2p23.3.
Variant type: single nucleotide variant.
Coding change: c.285+8C>A on transcript NM_001486.4 (MANE Select); 8 bases into the intron after coding-DNA position 285, C replaced by A.
Molecular consequence: intron variant.
Genome position (GRCh38, 1-based): chr2:27,497,638, C>A. VCF-style: chr2-27497638-C-A. GRCh37 (hg19) VCF-style: chr2-27720505-C-A.
Identifiers: ClinVar variation 3041755 (VCV003041755.2), dbSNP rs779768324, ClinGen allele CA1581494.